The following is an entry in ClinVar:

NM_001715.3(BLK):c.620-5T>G

Genes: BLK (BLK proto-oncogene, Src family tyrosine kinase), BLK-AS1 (BLK antisense RNA 1). Cytogenetic location: 8p23.1.
Variant type: single nucleotide variant.
Coding change: c.620-5T>G on transcript NM_001715.3 (MANE Select); 5 bases into the intron before coding-DNA position 620, T replaced by G.
Molecular consequence: intron variant.
Genome position (GRCh38, 1-based): chr8:11,555,327, T>G. VCF-style: chr8-11555327-T-G. GRCh37 (hg19) VCF-style: chr8-11412836-T-G.
Other names: c.407-5T>G (NM_001330465.2).
Identifiers: ClinVar variation 3345266 (VCV003345266.1).

ClinVar aggregate classification (germline): Uncertain significance (0 of 4 stars; one submission).

Conditions:
BLK-related disorder. Also called: BLK-related condition.

Submission:

PreventionGenetics, part of Exact Sciences
Classification: Uncertain significance for BLK-related condition. Last evaluated: 2024-09-09. Review status: no assertion criteria provided. Collection method: clinical testing. Allele origin: germline.
Comment: The BLK c.620-5T>G variant is predicted to interfere with splicing. To our knowledge, this variant has not been reported in the literature or in a large population database, indicating this variant is rare. At this time, the clinical significance of this variant is uncertain due to the absence of conclusive functional and genetic evidence.